The following is an entry in ClinVar:

NM_024529.5(CDC73):c.65G>A (p.Gly22Glu)

Gene: CDC73 (cell division cycle 73; plus strand). Cytogenetic location: 1q31.2.
Variant type: single nucleotide variant.
Coding change: c.65G>A on transcript NM_024529.5 (MANE Select); coding-DNA position 65, G replaced by A.
Protein change: p.Gly22Glu; replaces glycine 22 with glutamic acid.
Molecular consequence: missense variant.
Genome position (GRCh38, 1-based): chr1:193,122,265, G>A. VCF-style: chr1-193122265-G-A. GRCh37 (hg19) VCF-style: chr1-193091395-G-A.
Other names: short protein forms G22E.
Identifiers: ClinVar variation 2122590 (VCV002122590.5), dbSNP rs1675465059, ClinGen allele CA343972864.

ClinVar aggregate classification (germline): Uncertain significance. Review status: criteria provided, multiple submitters, no conflicts (2 of 4 stars). 2 submissions from 2 submitters: Uncertain significance (2). Last evaluated 2026-03-12.

Conditions:
Hereditary cancer-predisposing syndrome. Also called: Neoplastic Syndromes, Hereditary; Tumor predisposition; Hereditary Cancer Syndrome; Hereditary neoplastic syndrome. Identifiers: Orphanet 140162, MedGen C0027672, MeSH D009386, MONDO:0015356.
Parathyroid carcinoma (PRTC). Also called: CDC73-Related Parathyroid Carcinoma; Parathyroid gland carcinoma. Identifiers: Orphanet 143, MedGen C0687150, MONDO:0012004, OMIM 608266, HP:0006780.

Allele frequency attached by ClinVar (database versions not stated): gnomAD exomes below 0.00001.
gnomAD v4.1: 4 of 1,614,124 alleles (0.00025%); highest among the groups gnomAD compares: Non-Finnish European, 0.00034%; no homozygotes.

Submissions (2):

Ambry Genetics
Classification: Uncertain significance for Hereditary cancer-predisposing syndrome. Last evaluated: 2026-03-12. Review status: criteria provided, single submitter. Criteria: Ambry Variant Classification Scheme 2023. Collection method: clinical testing. Allele origin: germline.
Comment: The p.G22E variant (also known as c.65G>A), located in coding exon 1 of the CDC73 gene, results from a G to A substitution at nucleotide position 65. The glycine at codon 22 is replaced by glutamic acid, an amino acid with similar properties. This amino acid position is conserved. In addition, the in silico prediction for this alteration is inconclusive. Based on the available evidence, the clinical significance of this variant remains unclear.

Labcorp Genetics (formerly Invitae), Labcorp
Classification: Uncertain significance for Parathyroid carcinoma. Last evaluated: 2022-04-07. Review status: criteria provided, single submitter. Criteria: Invitae Variant Classification Sherloc (09022015). Collection method: clinical testing. Allele origin: germline.
Comment: In summary, the available evidence is currently insufficient to determine the role of this variant in disease. Therefore, it has been classified as a Variant of Uncertain Significance. Algorithms developed to predict the effect of missense changes on protein structure and function (SIFT, PolyPhen-2, Align-GVGD) all suggest that this variant is likely to be tolerated. This variant has not been reported in the literature in individuals affected with CDC73-related conditions. This variant is not present in population databases (gnomAD no frequency). This sequence change replaces glycine, which is neutral and non-polar, with glutamic acid, which is acidic and polar, at codon 22 of the CDC73 protein (p.Gly22Glu).